The following is an entry in ClinVar:

NM_002661.5(PLCG2):c.1292C>T (p.Thr431Met)

Gene: PLCG2 (phospholipase C gamma 2; plus strand). Cytogenetic location: 16q23.3.
Variant type: single nucleotide variant.
Coding change: c.1292C>T on transcript NM_002661.5 (MANE Select); coding-DNA position 1292, C replaced by T.
Protein change: p.Thr431Met; replaces threonine 431 with methionine.
Molecular consequence: missense variant.
Genome position (GRCh38, 1-based): chr16:81,900,710, C>T. VCF-style: chr16-81900710-C-T. GRCh37 (hg19) VCF-style: chr16-81934315-C-T.
Other names: short protein forms T431M.
Identifiers: ClinVar variation 2047104 (VCV002047104.10), dbSNP rs367678289, ClinGen allele CA8193683.

ClinVar aggregate classification (germline): Conflicting classifications of pathogenicity. Review status: criteria provided, conflicting classifications (1 of 4 stars). 2 submissions from 2 submitters: Uncertain significance (1); Likely benign (1). Last evaluated 2025-11-01.

Conditions:
Familial cold autoinflammatory syndrome 3 (FCAS3). Also called: FAMILIAL ATYPICAL COLD URTICARIA; ANTIBODY DEFICIENCY AND IMMUNE DYSREGULATION, PLCG2-ASSOCIATED. Identifiers: Orphanet 300359, MedGen C3280914, MONDO:0013766, OMIM 614468.

gnomAD v4.1: 29 of 1,613,270 alleles (0.0018%); highest among the groups gnomAD compares: South Asian, 0.0055%; no homozygotes.

Submissions (2):

CeGaT Center for Human Genetics Tuebingen
Classification: Likely benign. Last evaluated: 2025-11-01. Review status: criteria provided, single submitter. Criteria: CeGaT Center For Human Genetics Tuebingen Variant Classification Criteria Version 2. Collection method: clinical testing. Allele origin: germline. Affected: yes. Observed: 1 variant allele.
Comment: PLCG2: BP4

Labcorp Genetics (formerly Invitae), Labcorp
Classification: Uncertain significance for Familial cold autoinflammatory syndrome 3. Last evaluated: 2022-09-09. Review status: criteria provided, single submitter. Criteria: Invitae Variant Classification Sherloc (09022015). Collection method: clinical testing. Allele origin: germline.
Comment: This sequence change replaces threonine, which is neutral and polar, with methionine, which is neutral and non-polar, at codon 431 of the PLCG2 protein (p.Thr431Met). This variant is present in population databases (rs367678289, gnomAD 0.006%). This variant has not been reported in the literature in individuals affected with PLCG2-related conditions. Algorithms developed to predict the effect of missense changes on protein structure and function output the following: SIFT: "Tolerated"; PolyPhen-2: "Benign"; Align-GVGD: "Class C0". The methionine amino acid residue is found in multiple mammalian species, which suggests that this missense change does not adversely affect protein function. In summary, the available evidence is currently insufficient to determine the role of this variant in disease. Therefore, it has been classified as a Variant of Uncertain Significance.